The following is an entry in ClinVar:

NM_002693.3(POLG):c.1713-18C>T

Gene: POLG (DNA polymerase gamma, catalytic subunit; minus strand). Cytogenetic location: 15q26.1.
Variant type: single nucleotide variant.
Coding change: c.1713-18C>T on transcript NM_002693.3 (MANE Select); 18 bases into the intron before coding-DNA position 1713, C replaced by T.
Molecular consequence: intron variant.
Genome position (GRCh38, 1-based): chr15:89,325,704, G>A on the plus strand (C>T on the coding strand, the complement: POLG is on the minus strand). VCF-style: chr15-89325704-G-A. GRCh37 (hg19) VCF-style: chr15-89868935-G-A.
Other names: c.1713-18C>T (NM_001126131.2).
Identifiers: ClinVar variation 682412 (VCV000682412.9), dbSNP rs1298520719, ClinGen allele CA619857419.

ClinVar aggregate classification (germline): Likely benign. Review status: criteria provided, multiple submitters, no conflicts (2 of 4 stars). 2 submissions from 2 submitters: Likely benign (2). Last evaluated 2025-12-03.

Conditions:
Progressive sclerosing poliodystrophy (MTDPS4A). Also called: ALPERS PROGRESSIVE INFANTILE POLIODYSTROPHY; ALPERS DIFFUSE DEGENERATION OF CEREBRAL GRAY MATTER WITH HEPATIC CIRRHOSIS; Alpers-Huttenlocher Syndrome; Mitochondrial DNA depletion syndrome 4A (Alpers type); Alpers-Huttenlocher Syndrome (AHS); NEURONAL DEGENERATION OF CHILDHOOD WITH LIVER DISEASE, PROGRESSIVE. Identifiers: Orphanet 726, MedGen C0205710, MONDO:0008758, OMIM 203700.

Allele frequency attached by ClinVar (database versions not stated): gnomAD exomes below 0.00001; TOPMed below 0.00001.
gnomAD v4.1: 20 of 1,560,892 alleles (0.0013%); highest among the groups gnomAD compares: Non-Finnish European, 0.0017%; no homozygotes.

Submissions (2):

Labcorp Genetics (formerly Invitae), Labcorp
Classification: Likely benign for Progressive sclerosing poliodystrophy. Last evaluated: 2025-12-03. Review status: criteria provided, single submitter. Criteria: Invitae Variant Classification Sherloc (09022015). Collection method: clinical testing. Allele origin: germline.

GeneDx
Classification: Likely benign. Last evaluated: 2018-04-30. Review status: criteria provided, single submitter. Criteria: GeneDx Variant Classification (06012015). Collection method: clinical testing. Allele origin: germline. Affected: yes.
Comment: This variant is considered likely benign or benign based on one or more of the following criteria: it is a conservative change, it occurs at a poorly conserved position in the protein, it is predicted to be benign by multiple in silico algorithms, and/or has population frequency not consistent with disease.